The following is an entry in ClinVar:

NM_032578.4(MYPN):c.34A>G (p.Ile12Val)

Gene: MYPN (myopalladin; plus strand). Cytogenetic location: 10q21.3.
Variant type: single nucleotide variant.
Coding change: c.34A>G on transcript NM_032578.4 (MANE Select); coding-DNA position 34, A replaced by G.
Protein change: p.Ile12Val; replaces isoleucine 12 with valine.
Molecular consequence: missense variant. On other transcripts: 5 prime UTR variant (1), non-coding transcript variant (1).
Genome position (GRCh38, 1-based): chr10:68,121,472, A>G. VCF-style: chr10-68121472-A-G. GRCh37 (hg19) VCF-style: chr10-69881229-A-G.
Other names: c.34A>G, p.Ile12Val (NM_001256267.2); c.-1089A>G (NM_001256268.2); short protein forms I12V.
Identifiers: ClinVar variation 1446990 (VCV001446990.11), dbSNP rs1564646814, ClinGen allele CA377103473.

ClinVar aggregate classification (germline): Uncertain significance. Review status: criteria provided, multiple submitters, no conflicts (2 of 4 stars). 2 submissions from 2 submitters: Uncertain significance (2). Last evaluated 2025-11-02.

Conditions:
Dilated cardiomyopathy 1KK (CMD1KK). Identifiers: Orphanet 154, Orphanet 75249, MedGen C3714995, MONDO:0014100, OMIM 615248.
Cardiovascular phenotype. Identifiers: MedGen CN230736.

Allele frequency attached by ClinVar (database versions not stated): gnomAD exomes below 0.00001.
gnomAD v4.1: 5 of 1,613,366 alleles (0.00031%); highest among the groups gnomAD compares: Non-Finnish European, 0.00042%; no homozygotes.

Submissions (2):

Ambry Genetics
Classification: Uncertain significance for Cardiovascular phenotype. Last evaluated: 2025-11-02. Review status: criteria provided, single submitter. Criteria: Ambry Variant Classification Scheme 2023. Collection method: clinical testing. Allele origin: germline.
Comment: The p.I12V variant (also known as c.34A>G), located in coding exon 1 of the MYPN gene, results from an A to G substitution at nucleotide position 34. The isoleucine at codon 12 is replaced by valine, an amino acid with highly similar properties. This amino acid position is well conserved in available vertebrate species. In addition, this alteration is predicted to be tolerated by in silico analysis. Since supporting evidence is limited at this time, the clinical significance of this alteration remains unclear.

Labcorp Genetics (formerly Invitae), Labcorp
Classification: Uncertain significance for Dilated cardiomyopathy 1KK. Last evaluated: 2021-02-22. Review status: criteria provided, single submitter. Criteria: Invitae Variant Classification Sherloc (09022015). Collection method: clinical testing. Allele origin: germline.
Comment: This sequence change replaces isoleucine with valine at codon 12 of the MYPN protein (p.Ile12Val). The isoleucine residue is moderately conserved and there is a small physicochemical difference between isoleucine and valine. This variant is not present in population databases (ExAC no frequency). This variant has not been reported in the literature in individuals with MYPN-related conditions. Algorithms developed to predict the effect of missense changes on protein structure and function are either unavailable or do not agree on the potential impact of this missense change (SIFT: "Tolerated"; PolyPhen-2: "Possibly Damaging"; Align-GVGD: "Class C0"). In summary, the available evidence is currently insufficient to determine the role of this variant in disease. Therefore, it has been classified as a Variant of Uncertain Significance.